The following is an entry in ClinVar:

NM_001099403.2(PRDM8):c.224A>T (p.Asp75Val)

Genes: PRDM8 (PR/SET domain 8; plus strand), LOC126807094 (CDK7 strongly-dependent group 2 enhancer GRCh37_chr4:81121978-81123177; plus strand). Cytogenetic location: 4q21.21.
Variant type: single nucleotide variant.
Coding change: c.224A>T on transcript NM_001099403.2 (MANE Select); coding-DNA position 224, A replaced by T.
Protein change: p.Asp75Val; replaces aspartic acid 75 with valine.
Molecular consequence: missense variant.
Genome position (GRCh38, 1-based): chr4:80,201,294, A>T. VCF-style: chr4-80201294-A-T. GRCh37 (hg19) VCF-style: chr4-81122448-A-T.
Other names: c.224A>T, p.Asp75Val (NM_020226.4); short protein forms D75V.
Identifiers: ClinVar variation 1514150 (VCV001514150.4), dbSNP rs2109876937, ClinGen allele CA357392487.
Genomic context (GRCh38, chr4:80,201,294, plus strand): 5'-TGAGGGTCCCTCTCCCCCTCTCCTTCTTGTCTTCTTTCATTTATTTCAAACCGCAGGTAG[A>T]CACCTCAGCAGCAAATGGTTCCTCAGAAGGTCTCATGTGGCTGCGGTTGGTCCAATCGGC-3'
Protein context (NP_001092873.1, residues 65-85): KRTVPYIFRV[Asp75Val]TSAANGSSEG

ClinVar aggregate classification (germline): Uncertain significance (1 of 4 stars; one submission).

Conditions:
Early-onset Lafora body disease. Also called: Epilepsy, progressive myoclonic, 10. Identifiers: Orphanet 324290, MedGen C4225258, MONDO:0014717, OMIM 616640.

Submission:

Labcorp Genetics (formerly Invitae), Labcorp
Classification: Uncertain significance for Early-onset Lafora body disease. Last evaluated: 2021-12-02. Review status: criteria provided, single submitter. Criteria: Invitae Variant Classification Sherloc (09022015). Collection method: clinical testing. Allele origin: germline.
Comment: This variant is not present in population databases (gnomAD no frequency). In summary, the available evidence is currently insufficient to determine the role of this variant in disease. Therefore, it has been classified as a Variant of Uncertain Significance. Algorithms developed to predict the effect of missense changes on protein structure and function are either unavailable or do not agree on the potential impact of this missense change (SIFT: "Deleterious"; PolyPhen-2: "Probably Damaging"; Align-GVGD: "Class C0"). This variant has not been reported in the literature in individuals affected with PRDM8-related conditions. This sequence change replaces aspartic acid, which is acidic and polar, with valine, which is neutral and non-polar, at codon 75 of the PRDM8 protein (p.Asp75Val).